The following is an entry in ClinVar:

ClinVar aggregate classification (germline): Likely benign (1 of 4 stars; one submission).

Conditions:
Hirschsprung disease, susceptibility to, 3. Identifiers: Orphanet 388, MedGen C3150974, MONDO:0013383, OMIM 613711.

Allele frequency attached by ClinVar (database versions not stated): 1000 Genomes Project 0.00040; 1000 Genomes Project 30x 0.00047; TOPMed 0.00149; gnomAD 0.00184 and 0.00188; gnomAD exomes 0.00408.
gnomAD v4.1: 278 of 152,704 alleles (0.18%); highest among the groups gnomAD compares: Non-Finnish European, 0.32%; no homozygotes.

Submission:

Illumina Laboratory Services, Illumina
Classification: Likely benign for Hirschsprung disease, susceptibility to, 3. Last evaluated: 2018-01-13. Review status: criteria provided, single submitter. Criteria: ICSL Variant Classification Criteria 13 December 2019. Collection method: clinical testing. Allele origin: germline.
Comment: This variant was observed in the ICSL laboratory as part of a predisposition screen in an ostensibly healthy population. It had not been previously curated by ICSL or reported in the Human Gene Mutation Database (HGMD: prior to June 1st, 2018), and was therefore a candidate for classification through an automated scoring system. Utilizing variant allele frequency, disease prevalence and penetrance estimates, and inheritance mode, an automated score was calculated to assess if this variant is too frequent to cause the disease. Based on the score and internal cut-off values, a variant classified as likely benign is not then subjected to further curation. The score for this variant resulted in a classification of likely benign for this disease.

NM_000514.4(GDNF):c.*1592G>T

Gene: GDNF (glial cell derived neurotrophic factor; minus strand). Cytogenetic location: 5p13.2.
Variant type: single nucleotide variant.
Coding change: c.*1592G>T on transcript NM_000514.4 (MANE Select); 1592 bases downstream of the stop codon, G replaced by T.
Molecular consequence: 3 prime UTR variant.
Genome position (GRCh38, 1-based): chr5:37,814,059, C>A on the plus strand (G>T on the coding strand, the complement: GDNF is on the minus strand). VCF-style: chr5-37814059-C-A. GRCh37 (hg19) VCF-style: chr5-37814161-C-A.
Other names: c.*1592G>T (NM_001190468.1, NM_001190469.1, NM_001278098.1 and 1 more transcripts).
Identifiers: ClinVar variation 353495 (VCV000353495.5), dbSNP rs546517198, ClinGen allele CA10624715.